The following is an entry in ClinVar:

NM_006904.7(PRKDC):c.1399G>T (p.Ala467Ser)

Gene: PRKDC (protein kinase, DNA-activated, catalytic subunit; minus strand). Cytogenetic location: 8q11.21.
Variant type: single nucleotide variant.
Coding change: c.1399G>T on transcript NM_006904.7 (MANE Select); coding-DNA position 1399, G replaced by T.
Protein change: p.Ala467Ser; replaces alanine 467 with serine.
Molecular consequence: missense variant.
Genome position (GRCh38, 1-based): chr8:47,935,780, C>A on the plus strand (G>T on the coding strand, the complement: PRKDC is on the minus strand). VCF-style: chr8-47935780-C-A. GRCh37 (hg19) VCF-style: chr8-48848340-C-A.
Other names: c.1399G>T, p.Ala467Ser (NM_001081640.2); short protein forms A467S.
Identifiers: ClinVar variation 3225745 (VCV003225745.1), dbSNP rs2551879543, ClinGen allele CA371165756.

ClinVar aggregate classification (germline): Uncertain significance (1 of 4 stars; one submission).

Submission:

Ambry Genetics
Classification: Uncertain significance. Last evaluated: 2024-02-02. Review status: criteria provided, single submitter. Criteria: Ambry Variant Classification Scheme 2023. Collection method: clinical testing. Allele origin: germline.
Comment: The p.A467S variant (also known as c.1399G>T), located in coding exon 13 of the PRKDC gene, results from a G to T substitution at nucleotide position 1399. The alanine at codon 467 is replaced by serine, an amino acid with similar properties. This amino acid position is conserved. In addition, this alteration is predicted to be tolerated by in silico analysis. Based on the available evidence, the clinical significance of this alteration remains unclear.